The following is an entry in ClinVar:

ClinVar aggregate classification (germline): Uncertain significance (1 of 4 stars; one submission).

Submission:

GeneDx
Classification: Uncertain significance. Last evaluated: 2025-03-10. Review status: criteria provided, single submitter. Criteria: GeneDx Variant Classification Process June 2021. Collection method: clinical testing. Allele origin: germline. Affected: yes.
Comment: Not observed at significant frequency in large population cohorts (gnomAD); In silico analysis indicates that this missense variant does not alter protein structure/function; Has not been previously published as pathogenic or benign to our knowledge

NM_001042681.2(RERE):c.4435C>G (p.Leu1479Val)

Gene: RERE (arginine-glutamic acid dipeptide repeats; minus strand). Cytogenetic location: 1p36.23.
Variant type: single nucleotide variant.
Coding change: c.4435C>G on transcript NM_001042681.2 (MANE Select); coding-DNA position 4435, C replaced by G.
Protein change: p.Leu1479Val; replaces leucine 1479 with valine.
Molecular consequence: missense variant.
Genome position (GRCh38, 1-based): chr1:8,356,151, G>C on the plus strand (C>G on the coding strand, the complement: RERE is on the minus strand). VCF-style: chr1-8356151-G-C. GRCh37 (hg19) VCF-style: chr1-8416211-G-C.
Other names: c.2773C>G, p.Leu925Val (NM_001042682.2); c.4435C>G, p.Leu1479Val (NM_012102.4); short protein forms L1479V, L925V.
Identifiers: ClinVar variation 4083042 (VCV004083042.1).